The following is an entry in ClinVar:

ClinVar aggregate classification (germline): Pathogenic. Review status: criteria provided, multiple submitters, no conflicts (2 of 4 stars). 4 submissions from 4 submitters: Pathogenic (2). 2 of the submissions do not count toward it. Last evaluated 2023-07-17.

Conditions:
Lamb-Shaffer syndrome. Identifiers: Orphanet 313884, Orphanet 313892, Orphanet 530983, MedGen C4225202, MONDO:0014778, OMIM 616803.

Submissions (4):

Victorian Clinical Genetics Services, Murdoch Childrens Research Institute
Classification: Pathogenic for Lamb-Shaffer syndrome. Last evaluated: 2023-07-17. Review status: criteria provided, single submitter. Criteria: ACMG Guidelines, 2015. Collection method: clinical testing. Allele origin: germline. Inheritance: Autosomal dominant inheritance. Affected: yes.
Comment: Based on the classification scheme VCGS_Germline_v1.3.4, this variant is classified as Pathogenic. Following criteria are met: 0102 - Loss of function is a known mechanism of disease in this gene and is associated with Lamb-Shaffer syndrome (MIM#616803). (I) 0107 - This gene is associated with autosomal dominant disease. (I) 0200 - Variant is predicted to result in a missense amino acid change from tyrosine to cysteine. (I) 0251 - This variant is heterozygous. (I) 0301 - Variant is absent from gnomAD (both v2 and v3). (SP) 0501 - Missense variant consistently predicted to be damaging by multiple in silico tools or highly conserved with a major amino acid change. (SP) 0603 - Missense variant in a region that is highly intolerant to missense variation (high constraint region in DECIPHER). (SP) 0705 - No comparable missense variants have previous evidence for pathogenicity. (I) 0801 - This variant has strong previous evidence of pathogenicity in unrelated individuals. This variant has been classified as likely pathogenic or pathogenic by clinical laboratories in ClinVar, and has been reported twice as de novo including one individual with Lamb-Shaffer syndrome who was also reported in the literature (PMID: 31578471). (SP) 0905 - No published segregation evidence has been identified for this variant. (I) 1007 - No published functional evidence has been identified for this variant. (I) 1208 - Inheritance information for this variant is not currently available in this individual. (I) Legend: (SP) - Supporting pathogenic, (I) - Information, (SB) - Supporting benign

GeneDx
Classification: Pathogenic. Last evaluated: 2022-01-14. Review status: criteria provided, single submitter. Criteria: GeneDx Variant Classification Process June 2021. Collection method: clinical testing. Allele origin: germline. Affected: yes.
Comment: In silico analysis supports that this missense variant has a deleterious effect on splicing; In silico analysis, which includes protein predictors and evolutionary conservation, supports a deleterious effect. In addition, in silico splice predictors suggest this variant may lead to abnormal gene splicing. In the absence of RNA/functional studies, the actual effect of this sequence change is unknown; Not observed at significant frequency in large population cohorts (gnomAD); This variant is associated with the following publications: (PMID: 31578471)

Department of Genetics, Rouen University Hospital, Normandy Center for Genomic and Personalized Medicine
Classification: Likely pathogenic for Lamb-Shaffer syndrome. Last evaluated: 2020-04-03. Review status: no assertion criteria provided. Collection method: clinical testing. Allele origin: de novo. Affected: yes. Not counted in ClinVar's aggregate classification.

Institute for Human Genetics, University Hospital Essen
Classification: Likely pathogenic for Lamb-Shaffer syndrome. Last evaluated: 2019-08-05. Review status: no assertion criteria provided. Collection method: clinical testing. Allele origin: de novo. Inheritance: Autosomal dominant inheritance. Affected: yes. Not counted in ClinVar's aggregate classification.

Literature cited by the submitters: PubMed 31578471 (cited by Victorian Clinical Genetics Services, Murdoch Childrens Research Institute).

NM_006940.6(SOX5):c.1868A>G (p.Tyr623Cys)

Gene: SOX5 (SRY-box transcription factor 5; minus strand). Cytogenetic location: 12p12.1.
Variant type: single nucleotide variant.
Coding change: c.1868A>G on transcript NM_006940.6 (MANE Select); coding-DNA position 1868, A replaced by G.
Protein change: p.Tyr623Cys; replaces tyrosine 623 with cysteine.
Molecular consequence: missense variant.
Genome position (GRCh38, 1-based): chr12:23,536,573, T>C on the plus strand (A>G on the coding strand, the complement: SOX5 is on the minus strand). VCF-style: chr12-23536573-T-C. GRCh37 (hg19) VCF-style: chr12-23689507-T-C.
Other names: c.1505A>G, p.Tyr502Cys (NM_001261414.3); c.1838A>G, p.Tyr613Cys (NM_001261415.3); c.1763A>G, p.Tyr588Cys (NM_001330785.2); c.1829A>G, p.Tyr610Cys (NM_152989.5); c.710A>G, p.Tyr237Cys (NM_178010.4); short protein forms Y610C, Y613C, Y237C, Y588C, Y623C, Y502C.
Identifiers: ClinVar variation 695089 (VCV000695089.6), dbSNP rs1591833159, ClinGen allele CA384319431.
Genomic context (GRCh38, chr12:23,536,573, plus strand): 5'-CCAATGCGCAGCTTTTTGCCATCCACCAGGCAGGTGCGCTTTGGCCTGGGCTTGTACTTA[T>C]AGTCAGGGTACTTCTCCAGGTGCTGCTTGCTGAGACGGGCTTGCTCCTCATAATATGGCT-3'
Protein context (NP_008871.3, residues 613-633): SKQHLEKYPD[Tyr623Cys]KYKPRPKRTC